The following is an entry in ClinVar:

ClinVar aggregate classification (germline): Uncertain significance. Review status: criteria provided, multiple submitters, no conflicts (2 of 4 stars). 4 submissions from 4 submitters: Uncertain significance (4). Last evaluated 2026-03-29.

Conditions:
Inborn genetic diseases. Identifiers: MedGen C0950123, MeSH D030342.
CWC27-related disorder. Also called: CWC27-related condition.

Allele frequency attached by ClinVar (database versions not stated): gnomAD 0.00004; TOPMed 0.00008; 1000 Genomes Project 0.00020.
gnomAD v4.1: 212 of 1,602,216 alleles (0.013%); highest among the groups gnomAD compares: Non-Finnish European, 0.018%; no homozygotes.

Submissions (4):

PreventionGenetics, part of Exact Sciences
Classification: Uncertain significance for CWC27-related condition. Last evaluated: 2026-03-29. Review status: criteria provided, single submitter. Criteria: ACMG Guidelines, 2015. Collection method: clinical testing. Allele origin: germline.
Comment: The CWC27 c.353G>T variant is predicted to result in the amino acid substitution p.Gly118Val. To our knowledge, this variant has not been reported in the literature. This variant is reported in 0.011% of alleles in individuals of European (Non-Finnish) descent in gnomAD. At this time, the clinical significance of this variant is uncertain due to the absence of conclusive functional and genetic evidence.

Ambry Genetics
Classification: Uncertain significance for Inborn genetic diseases. Last evaluated: 2025-11-03. Review status: criteria provided, single submitter. Criteria: Ambry Variant Classification Scheme 2023. Collection method: clinical testing. Allele origin: germline.

Blueprint Genetics
Classification: Uncertain significance. Last evaluated: 2024-09-09. Review status: criteria provided, single submitter. Criteria: ACMG Guidelines, 2015. Collection method: clinical testing. Allele origin: germline.

Labcorp Genetics (formerly Invitae), Labcorp
Classification: Uncertain significance. Last evaluated: 2024-01-22. Review status: criteria provided, single submitter. Criteria: Invitae Variant Classification Sherloc (09022015). Collection method: clinical testing. Allele origin: germline.
Comment: This sequence change replaces glycine, which is neutral and non-polar, with valine, which is neutral and non-polar, at codon 118 of the CWC27 protein (p.Gly118Val). This variant is present in population databases (rs199984122, gnomAD 0.01%). This variant has not been reported in the literature in individuals affected with CWC27-related conditions. ClinVar contains an entry for this variant (Variation ID: 1041057). An algorithm developed to predict the effect of missense changes on protein structure and function (PolyPhen-2) suggests that this variant is likely to be disruptive. In summary, the available evidence is currently insufficient to determine the role of this variant in disease. Therefore, it has been classified as a Variant of Uncertain Significance.

NM_005869.4(CWC27):c.353G>T (p.Gly118Val)

Gene: CWC27 (CWC27 spliceosome associated cyclophilin; plus strand). Cytogenetic location: 5q12.3.
Variant type: single nucleotide variant.
Coding change: c.353G>T on transcript NM_005869.4 (MANE Select); coding-DNA position 353, G replaced by T.
Protein change: p.Gly118Val; replaces glycine 118 with valine.
Molecular consequence: missense variant.
Genome position (GRCh38, 1-based): chr5:64,783,936, G>T. VCF-style: chr5-64783936-G-T. GRCh37 (hg19) VCF-style: chr5-64079763-G-T.
Other names: c.353G>T, p.Gly118Val (NM_001297644.1, NM_001297645.2, NM_001318000.2 and 1 more transcripts); c.353G>T (NM_005869.3, NM_005869.2); short protein forms G118V.
Identifiers: ClinVar variation 1041057 (VCV001041057.8), dbSNP rs199984122, ClinGen allele CA3281923.
Genomic context (GRCh38, chr5:64,783,936, plus strand): 5'-TGGTTGCCATGGCAAATGCTGGTTCTCATGATAATGGCAGCCAGTTTTTCTTCACACTGG[G>T]TCGAGCAGATGAACTTAACAATAAGCATACCATCTTTGGAAAGGTTAGTGTCCAGTGATT-3'
Protein context (NP_005860.2, residues 108-128): DNGSQFFFTL[Gly118Val]RADELNNKHT